The following is an entry in ClinVar:

ClinVar aggregate classification (germline): Likely benign (1 of 4 stars; one submission).

Conditions:
PLXNA4-related disorder. Also called: PLXNA4-related condition.

Submission:

PreventionGenetics, part of Exact Sciences
Classification: Likely benign for PLXNA4-related condition. Last evaluated: 2025-06-16. Review status: criteria provided, single submitter. Criteria: ACMG Guidelines, 2015. Collection method: clinical testing. Allele origin: germline.
Comment: This variant is classified as likely benign based on ACMG/AMP sequence variant interpretation guidelines (Richards et al. 2015 PMID: 25741868, with internal and published modifications).

NM_020911.2(PLXNA4):c.5091G>A (p.Glu1697=)

Gene: PLXNA4 (plexin A4; minus strand). Cytogenetic location: 7q32.3.
Variant type: single nucleotide variant.
Coding change: c.5091G>A on transcript NM_020911.2 (MANE Select); coding-DNA position 5091, G replaced by A.
Protein change: p.Glu1697=; no amino-acid change (glutamic acid 1697 retained).
Molecular consequence: synonymous variant.
Genome position (GRCh38, 1-based): chr7:132,145,253, C>T on the plus strand (G>A on the coding strand, the complement: PLXNA4 is on the minus strand). VCF-style: chr7-132145253-C-T. GRCh37 (hg19) VCF-style: chr7-131830012-C-T.
Other names: c.5091G>A, p.Glu1697= (NM_001393897.1).
Identifiers: ClinVar variation 4984030 (VCV004984030.1).